The following is an entry in ClinVar:

NM_000368.5(TSC1):c.3215C>A (p.Ala1072Asp)

Gene: TSC1 (TSC complex subunit 1; minus strand). Cytogenetic location: 9q34.13.
Variant type: single nucleotide variant.
Coding change: c.3215C>A on transcript NM_000368.5 (MANE Select); coding-DNA position 3215, C replaced by A.
Protein change: p.Ala1072Asp; replaces alanine 1072 with aspartic acid.
Molecular consequence: missense variant. On other transcripts: non-coding transcript variant (5).
Genome position (GRCh38, 1-based): chr9:132,896,515, G>T on the plus strand (C>A on the coding strand, the complement: TSC1 is on the minus strand). VCF-style: chr9-132896515-G-T. GRCh37 (hg19) VCF-style: chr9-135771902-G-T.
Other names: c.2852C>A, p.Ala951Asp (NM_001406616.1, NM_001406617.1, NM_001406618.1 and 4 more transcripts); c.2849C>A, p.Ala950Asp (NM_001406620.1, NM_001406621.1, NM_001406622.1 and 1 more transcripts); c.2810C>A, p.Ala937Asp (NM_001406624.1); c.2807C>A, p.Ala936Asp (NM_001406625.1); c.2264C>A, p.Ala755Asp (NM_001406626.1); c.2261C>A, p.Ala754Asp (NM_001406627.1, NM_001406628.1); c.2162C>A, p.Ala721Asp (NM_001406629.1, NM_001406630.1); c.3212C>A, p.Ala1071Asp (NM_001162426.2, NM_001406597.1, NM_001406598.1 and 2 more transcripts); and 8 more; short protein forms A1020D, A936D, A937D, A950D, A1067D, A1071D, A1072D, A951D.
Identifiers: ClinVar variation 5031219 (VCV005031219.1).

ClinVar aggregate classification (germline): Uncertain significance (1 of 4 stars; one submission).

Conditions:
Hereditary cancer-predisposing syndrome. Also called: Neoplastic Syndromes, Hereditary; Tumor predisposition; Hereditary neoplastic syndrome; Hereditary Cancer Syndrome. Identifiers: Orphanet 140162, MedGen C0027672, MeSH D009386, MONDO:0015356.

Submission:

Ambry Genetics
Classification: Uncertain significance for Hereditary cancer-predisposing syndrome. Last evaluated: 2026-07-06. Review status: criteria provided, single submitter. Criteria: Ambry Variant Classification Scheme 2023. Collection method: clinical testing. Allele origin: germline.
Comment: The p.A1072D variant (also known as c.3215C>A), located in coding exon 21 of the TSC1 gene, results from a C to A substitution at nucleotide position 3215. The alanine at codon 1072 is replaced by aspartic acid, an amino acid with dissimilar properties. This amino acid position is conserved. In addition, this alteration is predicted to be tolerated by in silico analysis. Based on the available evidence, the clinical significance of this variant remains unclear.